The following is an entry in ClinVar:

NM_001367823.1(ARHGEF18):c.1973C>A (p.Ala658Glu)

Gene: ARHGEF18 (Rho/Rac guanine nucleotide exchange factor 18; plus strand). Cytogenetic location: 19p13.2.
Variant type: single nucleotide variant.
Coding change: c.1973C>A on transcript NM_001367823.1 (MANE Select); coding-DNA position 1973, C replaced by A.
Protein change: p.Ala658Glu; replaces alanine 658 with glutamic acid.
Molecular consequence: missense variant.
Genome position (GRCh38, 1-based): chr19:7,453,584, C>A. VCF-style: chr19-7453584-C-A. GRCh37 (hg19) VCF-style: chr19-7518470-C-A.
Other names: c.1247C>A, p.Ala416Glu (NM_001130955.2); c.935C>A, p.Ala312Glu (NM_001367824.1, NM_015318.4); short protein forms A312E, A658E, A416E.
Identifiers: ClinVar variation 91931 (VCV000091931.2), dbSNP rs142818148, ClinGen allele CA232186.
Genomic context (GRCh38, chr19:7,453,584, plus strand): 5'-TCTCACAAGTGGACGCCAAGGTCAGTGAGTGTGAGAAGGGCCAGCGCCTCAGGGAGATCG[C>A]AGGGAAGATGGACCTGAAGTCTTCCAGCAAACTCAAGAACGGGCTCACCTTCCGCAAGGA-3'
Protein context (NP_001354752.1, residues 648-668): CEKGQRLREI[Ala658Glu]GKMDLKSSSK

ClinVar aggregate classification (germline): Uncertain significance (0 of 4 stars; one submission).

Submission:

Richard Lifton Laboratory, Yale University School of Medicine
Classification: Uncertain significance. Review status: no assertion criteria provided. Collection method: not provided. Allele origin: somatic.
Comment: ARHGEF18
ClinVar note: Converted during submission from unknown to Uncertain significance.